The following is an entry in ClinVar:

ClinVar aggregate classification (germline): Conflicting classifications of pathogenicity. Review status: criteria provided, conflicting classifications (1 of 4 stars). 2 submissions from 2 submitters: Pathogenic (1); Uncertain significance (1). Last evaluated 2023-12-18.

Conditions:
Cystic fibrosis (CF). Also called: MUCOVISCIDOSIS. Identifiers: Orphanet 586, MedGen C0010674, MONDO:0009061, OMIM 219700. Disease mechanism: loss of function.

Submissions (2):

Ambry Genetics
Classification: Pathogenic for Cystic fibrosis. Last evaluated: 2023-12-18. Review status: criteria provided, single submitter. Criteria: Ambry Variant Classification Scheme 2023. Collection method: clinical testing. Allele origin: germline.
Comment: The 3T variant is an alteration located in the intron 9 poly-thymidine tract of the CFTR gene. Typically the poly-T tract consists of 5, 7, or 9 thymidine repeats. The efficiency of exon 10 splicing consistently decreases with shorter poly-T tracts, resulting in a lower than normal level of fulllength CFTR protein. The effect of poly-T on exon 10 splicing is also influenced by the adjacent TG tract, usually 11, 12, or 13 TG repeats, with a higher TG number being associated with reduced splicing efficiency resulting in more CFTR mRNA transcripts lacking exon 10 (Sosnay et al. Pediatr Clin North Am 2016;63(4):585-98). Functional studies involving minigene assays and transfection of different cell lines show that the 3T variant decreases the level of correctly spliced CFTR mRNA, and thus the level of functional CFTR protein (Buratti et al. EMBO J 2001;20(7):1774-84; Disset et al. Hum Mutat 2005;25(1):72-81).

Labcorp Genetics (formerly Invitae), Labcorp
Classification: Uncertain significance for Cystic fibrosis. Last evaluated: 2021-08-02. Review status: criteria provided, single submitter. Criteria: Invitae Variant Classification Sherloc (09022015). Collection method: clinical testing. Allele origin: germline.

NM_000492.4(CFTR):c.1210-13_1210-8del

Genes: CFTR (CF transmembrane conductance regulator; plus strand), CFTR-AS1 (CFTR antisense RNA 1; minus strand). Cytogenetic location: 7q31.2.
Variant type: Deletion.
Coding change: c.1210-13_1210-8del on transcript NM_000492.4 (MANE Select); 13 bases into the intron before coding-DNA position 1210 through 8 bases into the intron before coding-DNA position 1210, 6 bases deleted (GTTTTT; older notation c.1210-13_1210-8delGTTTTT).
Molecular consequence: intron variant.
Genome position (GRCh38, 1-based): chr7:117,548,628-117,548,633, GTTTTT deleted; deleting any 6 consecutive bases within chr7:117,548,627-117,548,633 gives the same sequence; the c. name uses the placement nearest the transcript's 3' end. VCF-style (leftmost placement, unchanged base first): chr7-117548626-GTGTTTT-G. GRCh37 (hg19) VCF-style: chr7-117188680-GTGTTTT-G.
Identifiers: ClinVar variation 1363525 (VCV001363525.5), dbSNP rs1399483116, ClinGen allele CA577680191.
Genomic context (GRCh38, chr7:117,548,626, plus strand): 5'-ATCTATTGAAAATATCTGACAAACTCATCTTTTATTTTTGATGTGTGTGTGTGTGTGTGT[GTGTTTT>G]TTTAACAGGGATTTGGGGAATTATTTGAGAAAGCAAAACAAAACAATAACAATAGAAAAA-3'